The following is an entry in ClinVar:

ClinVar aggregate classification (germline): Uncertain significance. Review status: criteria provided, multiple submitters, no conflicts (2 of 4 stars). 2 submissions from 2 submitters: Uncertain significance (2). Last evaluated 2022-09-22.

Conditions:
Autosomal recessive early-onset Parkinson disease 23. Identifiers: Orphanet 2828, MedGen C4225186, MONDO:0014796, OMIM 616840.

Allele frequency attached by ClinVar (database versions not stated): ExAC 0.00002; gnomAD exomes 0.00004; gnomAD 0.00005; TOPMed 0.00006; ESP Exome Variant Server 0.00008; 1000 Genomes Project 30x 0.00016; 1000 Genomes Project 0.00020.
gnomAD v4.1: 140 of 1,613,588 alleles (0.0087%); highest among the groups gnomAD compares: Non-Finnish European, 0.011%; no homozygotes.

Submissions (2):

Labcorp Genetics (formerly Invitae), Labcorp
Classification: Uncertain significance. Last evaluated: 2022-09-22. Review status: criteria provided, single submitter. Criteria: Invitae Variant Classification Sherloc (09022015). Collection method: clinical testing. Allele origin: germline.
Comment: This sequence change replaces arginine, which is basic and polar, with histidine, which is basic and polar, at codon 470 of the VPS13C protein (p.Arg470His). This variant is present in population databases (rs142155201, gnomAD 0.008%). This variant has not been reported in the literature in individuals affected with VPS13C-related conditions. ClinVar contains an entry for this variant (Variation ID: 1029636). Advanced modeling of protein sequence and biophysical properties (such as structural, functional, and spatial information, amino acid conservation, physicochemical variation, residue mobility, and thermodynamic stability) performed at Invitae indicates that this missense variant is not expected to disrupt VPS13C protein function. In summary, the available evidence is currently insufficient to determine the role of this variant in disease. Therefore, it has been classified as a Variant of Uncertain Significance.

Baylor Genetics
Classification: Uncertain significance for Autosomal recessive early-onset Parkinson disease 23. Last evaluated: 2020-01-22. Review status: criteria provided, single submitter. Criteria: ACMG Guidelines, 2015. Collection method: clinical testing. Allele origin: unknown. Affected: yes.
Comment: This variant was determined to be of uncertain significance according to ACMG Guidelines, 2015 [PMID:25741868].

NM_020821.3(VPS13C):c.1409G>A (p.Arg470His)

Gene: VPS13C (vacuolar protein sorting 13 homolog C; minus strand). Cytogenetic location: 15q22.2.
Variant type: single nucleotide variant.
Coding change: c.1409G>A on transcript NM_020821.3 (MANE Select); coding-DNA position 1409, G replaced by A.
Protein change: p.Arg470His; replaces arginine 470 with histidine.
Molecular consequence: missense variant.
Genome position (GRCh38, 1-based): chr15:61,991,747, C>T on the plus strand (G>A on the coding strand, the complement: VPS13C is on the minus strand). VCF-style: chr15-61991747-C-T. GRCh37 (hg19) VCF-style: chr15-62283946-C-T.
Other names: c.1409G>A, p.Arg470His (NM_001018088.3); c.1280G>A, p.Arg427His (NM_017684.5, NM_018080.4); short protein forms R427H, R470H.
Identifiers: ClinVar variation 1029636 (VCV001029636.3), dbSNP rs142155201, ClinGen allele CA7597056.